The following is an entry in ClinVar:

NM_004364.5(CEBPA):c.778C>A (p.His260Asn)

Gene: CEBPA (CCAAT enhancer binding protein alpha; minus strand). Cytogenetic location: 19q13.11.
Variant type: single nucleotide variant.
Coding change: c.778C>A on transcript NM_004364.5 (MANE Select); coding-DNA position 778, C replaced by A.
Protein change: p.His260Asn; replaces histidine 260 with asparagine.
Molecular consequence: missense variant.
Genome position (GRCh38, 1-based): chr19:33,301,637, G>T on the plus strand (C>A on the coding strand, the complement: CEBPA is on the minus strand). VCF-style: chr19-33301637-G-T. GRCh37 (hg19) VCF-style: chr19-33792543-G-T.
Other names: c.421C>A, p.His141Asn (NM_001285829.2); c.883C>A, p.His295Asn (NM_001287424.2); c.736C>A, p.His246Asn (NM_001287435.2); short protein forms H141N, H246N, H260N, H295N.
Identifiers: ClinVar variation 1947391 (VCV001947391.6), dbSNP rs1383292199, ClinGen allele CA405274236.

ClinVar aggregate classification (germline): Conflicting classifications of pathogenicity. Review status: criteria provided, conflicting classifications (1 of 4 stars). 2 submissions from 2 submitters: Uncertain significance (1); Likely benign (1). Last evaluated 2026-03-27.

Conditions:
Acute myeloid leukemia (AML). Also called: Acute myeloid leukemia, adult; AML adult; Acute non-lymphocytic leukemia; Acute granulocytic leukemia; Leukemia, acute myeloid, somatic; Leukemia, acute myelogenous, somatic. Identifiers: Orphanet 519, MedGen C0023467, MeSH D015470, MONDO:0018874, OMIM 601626, HP:0004808. Disease mechanism: Constitutively activated FLT3.
Inborn genetic diseases. Identifiers: MedGen C0950123, MeSH D030342.

Submissions (2):

Ambry Genetics
Classification: Likely benign for Inborn genetic diseases. Last evaluated: 2026-03-27. Review status: criteria provided, single submitter. Criteria: Ambry Variant Classification Scheme 2023. Collection method: clinical testing. Allele origin: germline.

Labcorp Genetics (formerly Invitae), Labcorp
Classification: Uncertain significance for Acute myeloid leukemia. Last evaluated: 2022-10-12. Review status: criteria provided, single submitter. Criteria: Invitae Variant Classification Sherloc (09022015). Collection method: clinical testing. Allele origin: germline.
Comment: In summary, the available evidence is currently insufficient to determine the role of this variant in disease. Therefore, it has been classified as a Variant of Uncertain Significance. Algorithms developed to predict the effect of missense changes on protein structure and function (SIFT, PolyPhen-2, Align-GVGD) all suggest that this variant is likely to be tolerated. This variant has not been reported in the literature in individuals affected with CEBPA-related conditions. This variant is not present in population databases (gnomAD no frequency). This sequence change replaces histidine, which is basic and polar, with asparagine, which is neutral and polar, at codon 260 of the CEBPA protein (p.His260Asn).